The following is an entry in ClinVar:

NM_020975.6(RET):c.1282G>A (p.Glu428Lys)

Gene: RET (ret proto-oncogene; plus strand). Cytogenetic location: 10q11.21.
Variant type: single nucleotide variant.
Coding change: c.1282G>A on transcript NM_020975.6 (MANE Select); coding-DNA position 1282, G replaced by A.
Protein change: p.Glu428Lys; replaces glutamic acid 428 with lysine.
Molecular consequence: missense variant.
Genome position (GRCh38, 1-based): chr10:43,111,225, G>A. VCF-style: chr10-43111225-G-A. GRCh37 (hg19) VCF-style: chr10-43606673-G-A.
Other names: c.1282G>A, p.Glu428Lys (NM_000323.2, NM_001406743.1, NM_001406744.1 and 6 more transcripts); c.520G>A, p.Glu174Lys (NM_001355216.2); c.1153G>A, p.Glu385Lys (NM_001406761.1, NM_001406762.1, NM_001406764.1 and 1 more transcripts); c.994G>A, p.Glu332Lys (NM_001406766.1, NM_001406767.1, NM_001406770.1); c.886G>A, p.Glu296Lys (NM_001406769.1, NM_001406772.1); c.844G>A, p.Glu282Lys (NM_001406771.1, NM_001406773.1); c.757G>A, p.Glu253Lys (NM_001406774.1); c.556G>A, p.Glu186Lys (NM_001406775.1, NM_001406776.1, NM_001406777.1 and 1 more transcripts); and 1 more; short protein forms E428K, E174K, E296K, E332K, E186K, E385K, E98K, E253K.
Identifiers: ClinVar variation 664592 (VCV000664592.15), dbSNP rs1327111345, ClinGen allele CA376548871.

ClinVar aggregate classification (germline): Uncertain significance. Review status: criteria provided, multiple submitters, no conflicts (2 of 4 stars). 5 submissions from 5 submitters: Uncertain significance (5). Last evaluated 2025-07-11.

Conditions:
Hirschsprung disease, susceptibility to, 1 (HSCR1). Also called: RET-Related Hirschsprung Disease. Identifiers: Orphanet 388, MedGen C3888239, MONDO:0007723, OMIM 142623.
Hereditary cancer-predisposing syndrome. Also called: Tumor predisposition; Hereditary neoplastic syndrome; Neoplastic Syndromes, Hereditary; Hereditary Cancer Syndrome. Identifiers: Orphanet 140162, MedGen C0027672, MeSH D009386, MONDO:0015356.
Multiple endocrine neoplasia, type 2 (MEN2). Identifiers: Orphanet 653, MedGen C4048306, MONDO:0019003. Disease mechanism: gain of function.

Allele frequency attached by ClinVar (database versions not stated): gnomAD exomes below 0.00001; TOPMed below 0.00001; gnomAD 0.00001.
gnomAD v4.1: 2 of 1,613,952 alleles (0.00012%); highest among the groups gnomAD compares: Non-Finnish European, 0.00017%; no homozygotes.

Submissions (5):

Color Diagnostics, LLC DBA Color Health
Classification: Uncertain significance for Multiple endocrine neoplasia, type 2. Last evaluated: 2025-07-11. Review status: criteria provided, single submitter. Criteria: ACMG Guidelines, 2015. Collection method: clinical testing. Allele origin: germline.
Comment: This missense variant replaces glutamic acid with lysine at codon 428 of the RET protein. Computational prediction is inconclusive regarding the impact of this variant on protein structure and function. To our knowledge, functional studies have not been reported for this variant. This variant has not been reported in individuals affected with RET-related disorders in the literature. This variant has not been identified in the general population by the Genome Aggregation Database (gnomAD). The available evidence is insufficient to determine the role of this variant in disease conclusively. Therefore, this variant is classified as a Variant of Uncertain Significance.

Ambry Genetics
Classification: Uncertain significance for Hereditary cancer-predisposing syndrome. Last evaluated: 2025-02-27. Review status: criteria provided, single submitter. Criteria: Ambry Variant Classification Scheme 2023. Collection method: clinical testing. Allele origin: germline.
Comment: The p.E428K variant (also known as c.1282G>A), located in coding exon 7 of the RET gene, results from a G to A substitution at nucleotide position 1282. The glutamic acid at codon 428 is replaced by lysine, an amino acid with similar properties. This amino acid position is highly conserved in available vertebrate species. In addition, the in silico prediction for this alteration is inconclusive. Since supporting evidence is limited at this time, the clinical significance of this alteration remains unclear.

Labcorp Genetics (formerly Invitae), Labcorp
Classification: Uncertain significance for Multiple endocrine neoplasia, type 2. Last evaluated: 2024-11-18. Review status: criteria provided, single submitter. Criteria: Invitae Variant Classification Sherloc (09022015). Collection method: clinical testing. Allele origin: germline.
Comment: This sequence change replaces glutamic acid, which is acidic and polar, with lysine, which is basic and polar, at codon 428 of the RET protein (p.Glu428Lys). This variant is not present in population databases (gnomAD no frequency). This variant has not been reported in the literature in individuals affected with RET-related conditions. ClinVar contains an entry for this variant (Variation ID: 664592). An algorithm developed to predict the effect of missense changes on protein structure and function (PolyPhen-2) suggests that this variant is likely to be disruptive. In summary, the available evidence is currently insufficient to determine the role of this variant in disease. Therefore, it has been classified as a Variant of Uncertain Significance.

GeneDx
Classification: Uncertain significance. Last evaluated: 2024-07-08. Review status: criteria provided, single submitter. Criteria: GeneDx Variant Classification Process June 2021. Collection method: clinical testing. Allele origin: germline. Affected: yes.
Comment: Not observed at significant frequency in large population cohorts (gnomAD); In silico analysis indicates that this missense variant does not alter protein structure/function; Has not been previously published as pathogenic or benign to our knowledge; This variant is associated with the following publications: (PMID: 14633923)

Baylor Genetics
Classification: Uncertain significance for Hirschsprung disease, susceptibility to, 1. Last evaluated: 2023-08-07. Review status: criteria provided, single submitter. Criteria: ACMG Guidelines, 2015. Collection method: clinical testing. Allele origin: unknown.